The following is an entry in ClinVar:

NM_004996.4(ABCC1):c.1299G>T (p.Arg433Ser)

Gene: ABCC1 (ATP binding cassette subfamily C member 1 (ABCC1 blood group); plus strand). Cytogenetic location: 16p13.11.
Variant type: single nucleotide variant.
Coding change: c.1299G>T on transcript NM_004996.4 (MANE Select); coding-DNA position 1299, G replaced by T.
Protein change: p.Arg433Ser; replaces arginine 433 with serine.
Molecular consequence: missense variant.
Genome position (GRCh38, 1-based): chr16:16,048,222, G>T. VCF-style: chr16-16048222-G-T. GRCh37 (hg19) VCF-style: chr16-16142079-G-T.
Other names: short protein forms R433S.
Identifiers: ClinVar variation 489391 (VCV000489391.47), dbSNP rs60782127, ClinGen allele CA7923855.
Genomic context (GRCh38, chr16:16,048,222, plus strand): 5'-AGCCAGAAAATCCTCCACGGTCGGGGAGATTGTCAACCTCATGTCTGTGGACGCTCAGAG[G>T]TTCATGGACTTGGCCACGTACATTAACATGATCTGGTCAGCCCCCCTGCAAGTCATCCTT-3'
Protein context (NP_004987.2, residues 423-443): IVNLMSVDAQ[Arg433Ser]FMDLATYINM

ClinVar aggregate classification (germline): Benign. Review status: criteria provided, multiple submitters, no conflicts (2 of 4 stars). 2 submissions from 2 submitters: Benign (2). Last evaluated 2024-09-01.

Allele frequency attached by ClinVar (database versions not stated): 1000 Genomes Project 30x 0.00187; 1000 Genomes Project 0.00220; TOPMed 0.00691; gnomAD 0.00756 and 0.00769; ESP Exome Variant Server 0.00872; gnomAD exomes 0.00890 and 0.01179; ExAC 0.00939.
gnomAD v4.1: 18,268 of 1,614,196 alleles (1.1%); highest among the groups gnomAD compares: Non-Finnish European, 1.3%; 139 homozygotes.

Submissions (2):

CeGaT Center for Human Genetics Tuebingen
Classification: Benign. Last evaluated: 2024-09-01. Review status: criteria provided, single submitter. Criteria: CeGaT Center For Human Genetics Tuebingen Variant Classification Criteria Version 2. Collection method: clinical testing. Allele origin: germline. Affected: yes. Observed: 7 variant alleles.
Comment: ABCC1: BS1, BS2

Labcorp Genetics (formerly Invitae), Labcorp
Classification: Benign. Last evaluated: 2018-08-29. Review status: criteria provided, single submitter. Criteria: Invitae Variant Classification Sherloc (09022015). Collection method: clinical testing. Allele origin: germline.